The following is an entry in ClinVar:

NM_138694.4(PKHD1):c.880+5C>T

Gene: PKHD1 (PKHD1 ciliary IPT domain containing fibrocystin/polyductin; minus strand). Cytogenetic location: 6p12.2.
Variant type: single nucleotide variant.
Coding change: c.880+5C>T on transcript NM_138694.4 (MANE Select); 5 bases into the intron after coding-DNA position 880, C replaced by T.
Molecular consequence: intron variant.
Genome position (GRCh38, 1-based): chr6:52,065,971, G>A on the plus strand (C>T on the coding strand, the complement: PKHD1 is on the minus strand). VCF-style: chr6-52065971-G-A. GRCh37 (hg19) VCF-style: chr6-51930769-G-A.
Other names: c.880+5C>T (NM_170724.3, NM_138694.3).
Identifiers: ClinVar variation 594742 (VCV000594742.8), dbSNP rs759601015, ClinGen allele CA3853733.

ClinVar aggregate classification (germline): Uncertain significance. Review status: criteria provided, multiple submitters, no conflicts (2 of 4 stars). 3 submissions from 3 submitters: Uncertain significance (2). 1 of the submissions does not count toward it. Last evaluated 2021-11-24.

Conditions:
PKHD1-related disorder. Also called: PKHD1-related condition.
Inborn genetic diseases. Identifiers: MedGen C0950123, MeSH D030342.

Allele frequency attached by ClinVar (database versions not stated): gnomAD exomes 0.00002 and 0.00004; ExAC 0.00003; gnomAD 0.00008.
gnomAD v4.1: 60 of 1,383,122 alleles (0.0043%); highest among the groups gnomAD compares: Middle Eastern, 0.054%; no homozygotes.

Submissions (3):

Ambry Genetics
Classification: Uncertain significance for Inborn genetic diseases. Last evaluated: 2021-11-24. Review status: criteria provided, single submitter. Criteria: Ambry Variant Classification Scheme 2023. Collection method: clinical testing. Allele origin: germline.
Comment: The c.880+5C>T intronic alteration consists of a C to T substitution 5 nucleotides after exon 12 (coding exon 11) of the PKHD1 gene. Based on insufficient or conflicting evidence, the clinical significance of this alteration remains unclear.

Eurofins Ntd Llc (ga)
Classification: Uncertain significance. Last evaluated: 2017-10-26. Review status: criteria provided, single submitter. Criteria: EGL Classification Definitions 2015. Collection method: clinical testing. Allele origin: germline. Observed: 1 variant allele, 1 heterozygote.

PreventionGenetics, part of Exact Sciences
Classification: Likely benign for PKHD1-related condition. Last evaluated: 2024-03-22. Review status: no assertion criteria provided. Collection method: clinical testing. Allele origin: germline. Not counted in ClinVar's aggregate classification.
Comment: This variant is classified as likely benign based on ACMG/AMP sequence variant interpretation guidelines (Richards et al. 2015 PMID: 25741868, with internal and published modifications).